The following is an entry in ClinVar:

ClinVar aggregate classification (germline): Pathogenic/Likely pathogenic. Review status: criteria provided, multiple submitters, no conflicts (2 of 4 stars). 5 submissions from 5 submitters: Pathogenic (4); Likely pathogenic (1). Last evaluated 2025-08-01.

Conditions:
Fanconi anemia, complementation group S (FANCS). Identifiers: MedGen C4554406, MONDO:0054748, OMIM 617883.
Breast-ovarian cancer, familial, susceptibility to, 1 (BROVCA1). Also called: BRCA1 Hereditary Breast and Ovarian Cancer; OVARIAN CANCER, SUSCEPTIBILITY TO. Identifiers: Orphanet 145, MedGen C2676676, MONDO:0011450, OMIM 604370. Disease mechanism: loss of function.
Hereditary breast ovarian cancer syndrome. Also called: Breast and ovarian cancer; Hereditary breast and ovarian cancer syndrome; Hereditary breast and ovarian cancer; Hereditary breast and/or ovarian cancer syndrome; BRCA1- and BRCA2-Associated Hereditary Breast and Ovarian Cancer; Hereditary breast and ovarian cancer syndrome (HBOC). Identifiers: Orphanet 145, MedGen C0677776, MeSH D061325, MONDO:0003582. Disease mechanism: loss of function.

Submissions (5):

Clinical Genomics Laboratory, Washington University in St. Louis
Classification: Pathogenic for Fanconi anemia, complementation group S. Last evaluated: 2025-08-01. Review status: criteria provided, single submitter. Criteria: ACMG Guidelines, 2015. Collection method: clinical testing. Allele origin: germline. Affected: yes.
Comment: The BRCA1 c.2624del (p.Pro875Glnfs*18) variant has not been reported in the medical literature to our knowledge. This variant is absent from the general population (gnomAD v.2.1.1), indicating it is not a common variant. This variant has been submitted to ClinVar as pathogenic or likely pathogenic by two laboratories (variation ID: 1192261). Based on available information, and based on ACMG/AMP guidelines for variant interpretation (Richards S et al., PMID: 25741868), this variant is classified as pathogenic.

Johns Hopkins Genomics, Johns Hopkins University
Classification: Pathogenic for Breast-ovarian cancer, familial, susceptibility to, 1. Last evaluated: 2025-07-28. Review status: criteria provided, single submitter. Criteria: ACMG Guidelines, 2015. Collection method: clinical testing. Allele origin: germline.
Comment: This variant is classified as pathogenic (PVS1, PM2_supporting, PM3).

Women's Health and Genetics/Laboratory Corporation of America, LabCorp
Classification: Likely pathogenic for Hereditary breast ovarian cancer syndrome. Last evaluated: 2021-07-31. Review status: criteria provided, single submitter. Criteria: LabCorp Variant Classification Summary - May 2015. Collection method: clinical testing. Allele origin: germline.
Comment: Variant summary: BRCA1 c.2624delC (p.Pro875GlnfsX18) results in a premature termination codon, predicted to cause a truncation of the encoded protein or absence of the protein due to nonsense mediated decay, which are commonly known mechanisms for disease. Truncations downstream of this position have been classified as pathogenic by our laboratory. The variant was absent in 251144 control chromosomes. To our knowledge, no occurrence of c.2624delC in individuals affected with Hereditary Breast And Ovarian Cancer Syndrome and no experimental evidence demonstrating its impact on protein function have been reported. No clinical diagnostic laboratories have submitted clinical-significance assessments for this variant to ClinVar after 2014. Based on the evidence outlined above, the variant was classified as likely pathogenic.

Labcorp Genetics (formerly Invitae), Labcorp
Classification: Pathogenic for Hereditary breast ovarian cancer syndrome. Last evaluated: 2021-07-14. Review status: criteria provided, single submitter. Criteria: Invitae Variant Classification Sherloc (09022015). Collection method: clinical testing. Allele origin: germline.
Comment: For these reasons, this variant has been classified as Pathogenic. This variant has not been reported in the literature in individuals affected with BRCA1-related conditions. This variant is not present in population databases (ExAC no frequency). This sequence change creates a premature translational stop signal (p.Pro875Glnfs*18) in the BRCA1 gene. It is expected to result in an absent or disrupted protein product. Loss-of-function variants in BRCA1 are known to be pathogenic (PMID: 20104584).

ARUP Laboratories, Molecular Genetics and Genomics, ARUP Laboratories
Classification: Pathogenic. Review status: criteria provided, single submitter. Criteria: ARUP Molecular Germline Variant Investigation Process 2024. Collection method: clinical testing. Allele origin: germline.
Comment: The BRCA1 c.2624del; p.Pro875GlnfsTer18 variant is not reported in the medical literature. This variant is absent from the Genome Aggregation Database (v2.1.1), indicating it is not a common polymorphism. This variant causes a frameshift by deleting a single nucleotide, so it is predicted to result in a truncated protein or mRNA subject to nonsense-mediated decay. Based on available information, this variant is considered to be pathogenic.

Literature cited by the submitters: PubMed 39142283 (cited by Johns Hopkins Genomics, Johns Hopkins University); PubMed 20104584 (cited by Labcorp Genetics (formerly Invitae), Labcorp).

NM_007294.4(BRCA1):c.2624del (p.Pro875fs)

Gene: BRCA1 (BRCA1 DNA repair associated; minus strand). Cytogenetic location: 17q21.31.
Variant type: Deletion.
Coding change: c.2624del on transcript NM_007294.4 (MANE Select); coding-DNA position 2624, one base deleted (C; older notation c.2624delC).
Protein change: p.Pro875fs; shifts the reading frame from proline 875.
Molecular consequence: frameshift variant. On other transcripts: intron variant (137).
Genome position (GRCh38, 1-based): chr17:43,092,907, G deleted on the plus strand (C on the coding strand, the reverse complement: BRCA1 is on the minus strand); the first of 2 consecutive G bases (chr17:43,092,907-43,092,908); deleting either gives the same sequence. VCF-style (leftmost placement, unchanged base first): chr17-43092906-TG-T. GRCh37 (hg19) VCF-style: chr17-41244923-TG-T.
Other names: c.2624delC (NM_007294.3); c.2411del, p.Pro804fs (NM_001407571.1, NM_001407853.1, NM_001407894.1 and 9 more transcripts); c.2624del, p.Pro875fs (NM_001407581.1, NM_001407582.1, NM_001407583.1 and 30 more transcripts); c.2621del, p.Pro874fs (NM_001407587.1, NM_001407590.1, NM_001407591.1 and 22 more transcripts); c.2615del, p.Pro872fs (NM_001407646.1, NM_001407647.1); c.2501del, p.Pro834fs (NM_001407648.1, NM_001407664.1, NM_001407665.1 and 19 more transcripts); c.2498del, p.Pro833fs (NM_001407649.1, NM_001407670.1, NM_001407671.1 and 11 more transcripts); c.2546del, p.Pro849fs (NM_001407653.1, NM_001407654.1, NM_001407655.1 and 4 more transcripts); and 43 more; short protein forms P828fs, P875fs, P579fs, P707fs, P827fs, P833fs, P874fs, P747fs.
Identifiers: ClinVar variation 1192261 (VCV001192261.10), dbSNP rs2154368003, ClinGen allele CA2499224501.